The following is an entry in ClinVar:

NM_003107.3(SOX4):c.1287C>T (p.Asp429=)

Gene: SOX4 (SRY-box transcription factor 4; plus strand). Cytogenetic location: 6p22.3.
Variant type: single nucleotide variant.
Coding change: c.1287C>T on transcript NM_003107.3 (MANE Select); coding-DNA position 1287, C replaced by T.
Protein change: p.Asp429=; no amino-acid change (aspartic acid 429 retained).
Molecular consequence: synonymous variant.
Genome position (GRCh38, 1-based): chr6:21,595,821, C>T. VCF-style: chr6-21595821-C-T. GRCh37 (hg19) VCF-style: chr6-21596052-C-T.
Identifiers: ClinVar variation 3025176 (VCV003025176.22), dbSNP rs755071730, ClinGen allele CA448962714.

ClinVar aggregate classification (germline): Likely benign (1 of 4 stars; one submission).

Allele frequency attached by ClinVar (database versions not stated): gnomAD exomes 0.00001.

Submission:

CeGaT Center for Human Genetics Tuebingen
Classification: Likely benign. Last evaluated: 2023-12-01. Review status: criteria provided, single submitter. Criteria: CeGaT Center For Human Genetics Tuebingen Variant Classification Criteria Version 2. Collection method: clinical testing. Allele origin: germline. Affected: yes. Observed: 1 variant allele.
Comment: SOX4: PM2:Supporting, BP4, BP7